The following is an entry in ClinVar:

ClinVar aggregate classification (germline): Uncertain significance (1 of 4 stars; one submission).

gnomAD v4.1: 1 of 1,613,362 alleles (0.000062%); highest among the groups gnomAD compares: African/African-American, 0.0013%; no homozygotes.

Submission:

Ambry Genetics
Classification: Uncertain significance. Last evaluated: 2023-09-15. Review status: criteria provided, single submitter. Criteria: Ambry Variant Classification Scheme 2023. Collection method: clinical testing. Allele origin: germline.
Comment: The p.G264C variant (also known as c.790G>T), located in coding exon 5 of the IDH1 gene, results from a G to T substitution at nucleotide position 790. The glycine at codon 264 is replaced by cysteine, an amino acid with highly dissimilar properties. This amino acid position is conserved. In addition, this alteration is predicted to be deleterious by in silico analysis. Since supporting evidence is limited at this time, the clinical significance of this alteration remains unclear.

NM_005896.4(IDH1):c.790G>T (p.Gly264Cys)

Gene: IDH1 (isocitrate dehydrogenase (NADP(+)) 1; minus strand). Cytogenetic location: 2q34.
Variant type: single nucleotide variant.
Coding change: c.790G>T on transcript NM_005896.4 (MANE Select); coding-DNA position 790, G replaced by T.
Protein change: p.Gly264Cys; replaces glycine 264 with cysteine.
Molecular consequence: missense variant.
Genome position (GRCh38, 1-based): chr2:208,242,054, C>A on the plus strand (G>T on the coding strand, the complement: IDH1 is on the minus strand). VCF-style: chr2-208242054-C-A. GRCh37 (hg19) VCF-style: chr2-209106778-C-A.
Other names: c.790G>T, p.Gly264Cys (NM_001282386.1, NM_001282387.1); short protein forms G264C.
Identifiers: ClinVar variation 3225150 (VCV003225150.1), dbSNP rs1031894546, ClinGen allele CA64584020.
Genomic context (GRCh38, chr2:208,242,054, plus strand): 5'-CTTGGGCCACAGAGTCCGACTGCACGTCACCATCATAGTTTTTACAGGCCCAGATGAAGC[C>A]TCCCTCTGATTTCATAGCTTGGGCCACCATGTCGTCGATGAGCCTATGCTCATACCAGAT-3'
Protein context (NP_005887.2, residues 254-274): MVAQAMKSEG[Gly264Cys]FIWACKNYDG